The following is an entry in ClinVar:

NM_014956.5(CEP164):c.1667C>T (p.Ala556Val)

Gene: CEP164 (centrosomal protein 164; plus strand). Cytogenetic location: 11q23.3.
Variant type: single nucleotide variant.
Coding change: c.1667C>T on transcript NM_014956.5 (MANE Select); coding-DNA position 1667, C replaced by T.
Protein change: p.Ala556Val; replaces alanine 556 with valine.
Molecular consequence: missense variant. On other transcripts: intron variant (27).
Genome position (GRCh38, 1-based): chr11:117,382,885, C>T. VCF-style: chr11-117382885-C-T. GRCh37 (hg19) VCF-style: chr11-117253601-C-T.
Other names: c.1676C>T, p.Ala559Val (NM_001271933.2, NM_001440949.1); c.1667C>T, p.Ala556Val (NM_001440950.1, NM_001440951.1, NM_001440953.1 and 1 more transcripts); c.1589C>T, p.Ala530Val (NM_001440954.1, NM_001440955.1, NM_001440958.1 and 2 more transcripts); c.1538C>T, p.Ala513Val (NM_001440960.1); c.1508C>T, p.Ala503Val (NM_001440972.1); c.1586+1017C>T (NM_001440967.1, NM_001440961.1); c.1637+1017C>T (NM_001440956.1, NM_001440957.1); c.1577+1017C>T (NM_001440962.1, NM_001440970.1, NM_001440964.1 and 6 more transcripts); and 3 more; short protein forms A503V, A513V, A530V, A556V, A559V.
Identifiers: ClinVar variation 4810627 (VCV004810627.2).

ClinVar aggregate classification (germline): Uncertain significance. Review status: criteria provided, multiple submitters, no conflicts (2 of 4 stars). 2 submissions from 2 submitters: Uncertain significance (2). Last evaluated 2025-08-25.

Conditions:
CEP164-related disorder. Also called: CEP164-related condition.
Nephronophthisis 15 (NPHP15). Identifiers: Orphanet 3156, MedGen C3541853, MONDO:0013917, OMIM 614845.

gnomAD v4.1: 4 of 1,613,684 alleles (0.00025%); highest among the groups gnomAD compares: African/African-American, 0.0013%; no homozygotes.

Submissions (2):

Labcorp Genetics (formerly Invitae), Labcorp
Classification: Uncertain significance for Nephronophthisis 15. Last evaluated: 2025-08-25. Review status: criteria provided, single submitter. Criteria: Invitae Variant Classification Sherloc (09022015). Collection method: clinical testing. Allele origin: germline.
Comment: This sequence change replaces alanine, which is neutral and non-polar, with valine, which is neutral and non-polar, at codon 556 of the CEP164 protein (p.Ala556Val). This variant is present in population databases (no rsID available, gnomAD 0.0009%). This variant has not been reported in the literature in individuals affected with CEP164-related conditions. An algorithm developed to predict the effect of missense changes on protein structure and function (PolyPhen-2) suggests that this variant is likely to be disruptive. In summary, the available evidence is currently insufficient to determine the role of this variant in disease. Therefore, it has been classified as a Variant of Uncertain Significance.

PreventionGenetics, part of Exact Sciences
Classification: Uncertain significance for CEP164-related condition. Last evaluated: 2024-10-16. Review status: criteria provided, single submitter. Criteria: ACMG Guidelines, 2015. Collection method: clinical testing. Allele origin: germline.
Comment: The CEP164 c.1667C>T variant is predicted to result in the amino acid substitution p.Ala556Val. To our knowledge, this variant has not been reported in the literature. This variant is reported in 0.00088% of alleles in individuals of European (Non-Finnish) descent in gnomAD. At this time, the clinical significance of this variant is uncertain due to the absence of conclusive functional and genetic evidence.